The following is an entry in ClinVar:

ClinVar aggregate classification (germline): Pathogenic/Likely pathogenic. Review status: criteria provided, multiple submitters, no conflicts (2 of 4 stars). 2 submissions from 2 submitters: Pathogenic (1); Likely pathogenic (1). Last evaluated 2022-12-29.

Conditions:
Wilson disease (WND). Also called: Wilson's disease. Identifiers: Orphanet 905, MedGen C0019202, MONDO:0010200, OMIM 277900. Disease mechanism: loss of function.

Submissions (2):

Mayo Clinic Laboratories, Mayo Clinic
Classification: Likely pathogenic. Last evaluated: 2022-12-29. Review status: criteria provided, single submitter. Criteria: ACMG Guidelines, 2015. Collection method: clinical testing. Allele origin: germline. Observed: 1 variant allele.
Comment: PM2, PVS1

Labcorp Genetics (formerly Invitae), Labcorp
Classification: Pathogenic for Wilson disease. Last evaluated: 2022-07-30. Review status: criteria provided, single submitter. Criteria: Invitae Variant Classification Sherloc (09022015). Collection method: clinical testing. Allele origin: germline.
Comment: This sequence change creates a premature translational stop signal (p.Glu1385*) in the ATP7B gene. While this is not anticipated to result in nonsense mediated decay, it is expected to disrupt the last 81 amino acid(s) of the ATP7B protein. This variant is not present in population databases (gnomAD no frequency). This variant has not been reported in the literature in individuals affected with ATP7B-related conditions. This variant disrupts a region of the ATP7B protein in which other variant(s) (p.Arg1459Glyfs*2) have been determined to be pathogenic (PMID: 17949296, 26799313). This suggests that this is a clinically significant region of the protein, and that variants that disrupt it are likely to be disease-causing. For these reasons, this variant has been classified as Pathogenic.

Literature cited by the submitters: PubMed 17949296 (cited by Labcorp Genetics (formerly Invitae), Labcorp); PubMed 26799313 (cited by Labcorp Genetics (formerly Invitae), Labcorp).

NM_000053.4(ATP7B):c.4152dup (p.Glu1385Ter)

Gene: ATP7B (ATPase copper transporting beta; minus strand). Cytogenetic location: 13q14.3.
Variant type: Duplication.
Coding change: c.4152dup on transcript NM_000053.4 (MANE Select); coding-DNA position 4152, one base duplicated (T; older notation c.4152dupT).
Protein change: p.Glu1385Ter; replaces glutamic acid 1385 with a stop codon.
Molecular consequence: nonsense. On other transcripts: frameshift variant (36).
Genome position (GRCh38, 1-based): chr13:51,935,002, A duplicated on the plus strand (T on the coding strand, the reverse complement: ATP7B is on the minus strand). VCF-style (leftmost placement, unchanged base first): chr13-51935001-C-CA. GRCh37 (hg19) VCF-style: chr13-52509137-C-CA.
Other names: p.Glu1385*; c.4152dup (NM_000053.3); c.3531dup, p.Glu1178Ter (NM_001005918.3); c.3819dup, p.Glu1274Ter (NM_001243182.2); c.3918dup, p.Glu1307Ter (NM_001330578.2); c.3900dup, p.Glu1301Ter (NM_001330579.2); c.4152dup, p.Glu1385Terfs (NM_001406511.1, NM_001406512.1); c.4146dup, p.Glu1383Terfs (NM_001406513.1); and 25 more; short protein forms E1301*, E1274*, E1307*, E1385*, E1178*.
Identifiers: ClinVar variation 2020602 (VCV002020602.5), dbSNP rs2547543720, ClinGen allele CA2580087667.